The following is an entry in ClinVar:

NC_000022.10:g.(?_18906944)_(18923800_?)dup

Gene: PRODH (proline dehydrogenase 1; minus strand). Cytogenetic location: 22q11.21.
Variant type: Duplication.
Identifiers: ClinVar variation 2426293 (VCV002426293.4).

ClinVar aggregate classification (germline): Uncertain significance (1 of 4 stars; one submission).

Conditions:
Proline dehydrogenase deficiency (HYRPRO1). Also called: Hyperprolinemia type 1; PROLINE OXIDASE DEFICIENCY. Identifiers: Orphanet 419, MedGen C0268529, MONDO:0009400, OMIM 239500.

Submission:

Labcorp Genetics (formerly Invitae), Labcorp
Classification: Uncertain significance for Proline dehydrogenase deficiency. Last evaluated: 2022-08-08. Review status: criteria provided, single submitter. Criteria: Invitae Variant Classification Sherloc (09022015). Collection method: clinical testing. Allele origin: germline.
Comment: Experimental studies and prediction algorithms are not available or were not evaluated, and the functional significance of this variant is currently unknown. In summary, the available evidence is currently insufficient to determine the role of this variant in disease. Therefore, it has been classified as a Variant of Uncertain Significance. This variant has not been reported in the literature in individuals affected with PRODH-related conditions. This variant results in a copy number gain of the genomic region encompassing exon(s) 2-11 of the PRODH gene. This region includes the initiator codon of the gene. This copy number gain extends beyond the assayed region for this gene and therefore may encompass additional genes. As the precise location of this event is unknown, it may be in tandem or it may be located elsewhere in the genome.